The following is an entry in ClinVar:

ClinVar aggregate classification (germline): Uncertain significance (1 of 4 stars; one submission).

Submission:

Labcorp Genetics (formerly Invitae), Labcorp
Classification: Uncertain significance. Last evaluated: 2023-08-17. Review status: criteria provided, single submitter. Criteria: Invitae Variant Classification Sherloc (09022015). Collection method: clinical testing. Allele origin: germline.
Comment: In summary, the available evidence is currently insufficient to determine the role of this variant in disease. Therefore, it has been classified as a Variant of Uncertain Significance. Algorithms developed to predict the effect of sequence changes on RNA splicing suggest that this variant may create or strengthen a splice site. Advanced modeling of protein sequence and biophysical properties (such as structural, functional, and spatial information, amino acid conservation, physicochemical variation, residue mobility, and thermodynamic stability) performed at Invitae indicates that this missense variant is not expected to disrupt SEMA4A protein function. ClinVar contains an entry for this variant (Variation ID: 1367949). This variant has not been reported in the literature in individuals affected with SEMA4A-related conditions. This variant is not present in population databases (gnomAD no frequency). This sequence change replaces valine, which is neutral and non-polar, with leucine, which is neutral and non-polar, at codon 234 of the SEMA4A protein (p.Val234Leu).

NM_022367.4(SEMA4A):c.700G>T (p.Val234Leu)

Gene: SEMA4A (semaphorin 4A; plus strand). Cytogenetic location: 1q22.
Variant type: single nucleotide variant.
Coding change: c.700G>T on transcript NM_022367.4 (MANE Select); coding-DNA position 700, G replaced by T.
Protein change: p.Val234Leu; replaces valine 234 with leucine.
Molecular consequence: missense variant.
Genome position (GRCh38, 1-based): chr1:156,160,919, G>T. VCF-style: chr1-156160919-G-T. GRCh37 (hg19) VCF-style: chr1-156130710-G-T.
Other names: c.700G>T, p.Val234Leu (NM_001193300.2, NM_001193301.2, NM_001370567.1); c.304G>T, p.Val102Leu (NM_001193302.2); c.403G>T, p.Val135Leu (NM_001370568.1); c.193G>T, p.Val65Leu (NM_001370569.1, NM_001370571.1); short protein forms V102L, V65L, V135L, V234L.
Identifiers: ClinVar variation 1367949 (VCV001367949.8), dbSNP rs1387254330, ClinGen allele CA342838252.